The following is an entry in ClinVar:

ClinVar aggregate classification (germline): Uncertain significance (1 of 4 stars; one submission).

gnomAD v4.1: 1 of 1,596,498 alleles (0.000063%); highest among the groups gnomAD compares: South Asian, 0.0011%; no homozygotes.

Submission:

GeneDx
Classification: Uncertain significance. Last evaluated: 2026-03-24. Review status: criteria provided, single submitter. Criteria: GeneDx Variant Classification Process June 2021. Collection method: clinical testing. Allele origin: germline.
Comment: Not observed at significant frequency in large population cohorts (gnomAD); In silico analysis supports that this missense variant has a deleterious effect on protein structure/function; Has not been previously published as pathogenic or benign to our knowledge

NM_173689.7(CRB2):c.445G>A (p.Glu149Lys)

Gene: CRB2 (crumbs cell polarity complex component 2; plus strand). Cytogenetic location: 9q33.3.
Variant type: single nucleotide variant.
Coding change: c.445G>A on transcript NM_173689.7 (MANE Select); coding-DNA position 445, G replaced by A.
Protein change: p.Glu149Lys; replaces glutamic acid 149 with lysine.
Molecular consequence: missense variant.
Genome position (GRCh38, 1-based): chr9:123,365,943, G>A. VCF-style: chr9-123365943-G-A. GRCh37 (hg19) VCF-style: chr9-126128222-G-A.
Other names: short protein forms E149K.
Identifiers: ClinVar variation 5017442 (VCV005017442.1).